The following is an entry in ClinVar:

ClinVar aggregate classification (germline): Benign (1 of 4 stars; one submission).

gnomAD v4.1: 61 of 398,528 alleles (0.015%); highest among the groups gnomAD compares: African/African-American, 0.11%; no homozygotes.

Submission:

CeGaT Center for Human Genetics Tuebingen
Classification: Benign. Last evaluated: 2026-06-01. Review status: criteria provided, single submitter. Criteria: CeGaT Center For Human Genetics Tuebingen Variant Classification Criteria Version 2. Collection method: clinical testing. Allele origin: germline. Affected: yes. Observed: 1 variant allele.
Comment: KCNQ1OT1: BS1, BS2

NM_000218.3(KCNQ1):c.1514+16505T>C

Genes: KCNQ1 (potassium voltage-gated channel subfamily Q member 1; plus strand), KCNQ1OT1 (KCNQ1 opposite strand/antisense transcript 1; minus strand). Cytogenetic location: 11p15.5.
Variant type: single nucleotide variant.
Coding change: c.1514+16505T>C on transcript NM_000218.3 (MANE Select); 16505 bases into the intron after coding-DNA position 1514, T replaced by C.
Molecular consequence: intron variant. On other transcripts: non-coding transcript variant (1).
Genome position (GRCh38, 1-based): chr11:2,678,586, T>C. VCF-style: chr11-2678586-T-C. GRCh37 (hg19) VCF-style: chr11-2699816-T-C.
Other names: c.1244+16505T>C (NM_001406837.1); c.1418+16505T>C (NM_001406836.1); c.974+16505T>C (NM_001406838.1); c.1133+16505T>C (NM_181798.2).
Identifiers: ClinVar variation 4874449 (VCV004874449.2).
Genomic context (GRCh38, chr11:2,678,586, plus strand): 5'-TGGGCCTGTTGATAGGCCAGAGCTCAGTTATTTTAATTATGTAACTTTATGATGCACTTA[T>C]CTGTGTAGCAGGACTCCCCCTCATCTCCATTACTTAAGAGCCAATAATGGGAAGCTCATT-3'